The following is an entry in ClinVar:

NM_004145.4(MYO9B):c.6097A>G (p.Thr2033Ala)

Gene: MYO9B (myosin IXB; plus strand). Cytogenetic location: 19p13.11.
Variant type: single nucleotide variant.
Coding change: c.6097A>G on transcript NM_004145.4 (MANE Select); coding-DNA position 6097, A replaced by G.
Protein change: p.Thr2033Ala; replaces threonine 2033 with alanine.
Molecular consequence: missense variant. On other transcripts: 3 prime UTR variant (1).
Genome position (GRCh38, 1-based): chr19:17,211,933, A>G. VCF-style: chr19-17211933-A-G. GRCh37 (hg19) VCF-style: chr19-17322742-A-G.
Other names: c.*40A>G (NM_001130065.2); short protein forms T2033A.
Identifiers: ClinVar variation 3053412 (VCV003053412.2), dbSNP rs190936398, ClinGen allele CA9288824.
Genomic context (GRCh38, chr19:17,211,933, plus strand): 5'-CCTGCCATCTGTCTCTCAAAAGGGCCCCCTGCGCCTGCTCTCCCTTGCCCCGGCGCGCCC[A>G]CCCCGAGCCCCCTCCCCACCGTGGCCGCCCCTCCACGACGAAGGCCGTCGTCCTTCGTAA-3'
Protein context (NP_004136.2, residues 2023-2043): APALPCPGAP[Thr2033Ala]PSPLPTVAAP

ClinVar aggregate classification (germline): Likely benign (0 of 4 stars; one submission).

Conditions:
MYO9B-related disorder. Also called: MYO9B-related condition.

Allele frequency attached by ClinVar (database versions not stated): gnomAD exomes 0.00234; ESP Exome Variant Server 0.00851; 1000 Genomes Project 0.01078; TOPMed 0.01158; gnomAD 0.02019.
gnomAD v4.1: 2,729 of 598,368 alleles (0.46%); highest among the groups gnomAD compares: African/African-American, 7.2%; 50 homozygotes.

Submission:

PreventionGenetics, part of Exact Sciences
Classification: Likely benign for MYO9B-related condition. Last evaluated: 2019-12-23. Review status: no assertion criteria provided. Collection method: clinical testing. Allele origin: germline.
Comment: This variant is classified as likely benign based on ACMG/AMP sequence variant interpretation guidelines (Richards et al. 2015 PMID: 25741868, with internal and published modifications).